The following is an entry in ClinVar:

ClinVar aggregate classification (germline): Uncertain significance (1 of 4 stars; one submission).

gnomAD v4.1: 36 of 1,614,014 alleles (0.0022%); highest among the groups gnomAD compares: African/African-American, 0.0067%; no homozygotes.

Submission:

GeneDx
Classification: Uncertain significance. Last evaluated: 2024-12-11. Review status: criteria provided, single submitter. Criteria: GeneDx Variant Classification Process June 2021. Collection method: clinical testing. Allele origin: germline. Affected: yes.
Comment: In silico analysis supports that this missense variant has a deleterious effect on protein structure/function; In silico analysis is inconclusive as to whether the variant alters gene splicing. In the absence of RNA/functional studies, the actual effect of this sequence change is unknown.; Has not been previously published as pathogenic or benign to our knowledge

NM_001204077.2(UBE4A):c.1613G>A (p.Arg538Gln)

Gene: UBE4A (ubiquitination factor E4A; plus strand). Cytogenetic location: 11q23.3.
Variant type: single nucleotide variant.
Coding change: c.1613G>A on transcript NM_001204077.2 (MANE Select); coding-DNA position 1613, G replaced by A.
Protein change: p.Arg538Gln; replaces arginine 538 with glutamine.
Molecular consequence: missense variant.
Genome position (GRCh38, 1-based): chr11:118,379,487, G>A. VCF-style: chr11-118379487-G-A. GRCh37 (hg19) VCF-style: chr11-118250202-G-A.
Other names: c.1634G>A, p.Arg545Gln (NM_004788.4); short protein forms R538Q, R545Q.
Identifiers: ClinVar variation 3903290 (VCV003903290.1).